The following is an entry in ClinVar:

NM_181703.4(GJA5):c.1035_1038del (p.Ser345fs)

Gene: GJA5 (gap junction protein alpha 5; minus strand). Cytogenetic location: 1q21.2.
Variant type: Deletion.
Coding change: c.1035_1038del on transcript NM_181703.4 (MANE Select); coding-DNA positions 1035 to 1038, 4 bases deleted (TAAG; older notation c.1035_1038delTAAG).
Protein change: p.Ser345fs; shifts the reading frame from serine 345.
Molecular consequence: frameshift variant.
Genome position (GRCh38, 1-based): chr1:147,758,201-147,758,204, CTTA deleted on the plus strand (TAAG on the coding strand, the reverse complement: GJA5 is on the minus strand); deleting any 4 consecutive bases within chr1:147,758,201-147,758,206 gives the same sequence; the c. name uses the placement nearest the transcript's 3' end. VCF-style (leftmost placement, unchanged base first): chr1-147758200-CCTTA-C. GRCh37 (hg19) VCF-style: chr1-147230308-CCTTA-C.
Other names: c.1035_1038del, p.Ser345fs (NM_005266.7); short protein forms S345fs.
Identifiers: ClinVar variation 836933 (VCV000836933.7), dbSNP rs781887233, ClinGen allele CA1065654.
Genomic context (GRCh38, chr1:147,758,200, plus strand): 5'-CTGATCCTCCCATAAAGGAGGGTCACACTGATAGGTCATCTGACCTTGCCTTGCTGCTGG[CCTTA>C]CTAAGACGTCGCTTGTCACTATGATAGCCATGGGGAAGGCGGTGACCTGGTGAGACTCCA-3'

ClinVar aggregate classification (germline): Uncertain significance (1 of 4 stars; one submission).

Conditions:
Atrial standstill 1 (ATRST1). Also called: ATRIAL CARDIOMYOPATHY WITH HEART BLOCK; CARDIOMYOPATHY, FAMILIAL, WITH CONDUCTION DISTURBANCE; Atrial standstill, digenic (GJA5/SCN5A). Identifiers: Orphanet 1344, MedGen C4551959, MONDO:0007171, OMIM 108770.
Atrial fibrillation, familial, 11 (ATFB11). Identifiers: MedGen C3279693, MONDO:0013544, OMIM 614049.

Submission:

Labcorp Genetics (formerly Invitae), Labcorp
Classification: Uncertain significance for Atrial fibrillation, familial, 11; Atrial standstill 1. Last evaluated: 2025-09-29. Review status: criteria provided, single submitter. Criteria: Invitae Variant Classification Sherloc (09022015). Collection method: clinical testing. Allele origin: germline.
Comment: This sequence change is expected to alter the c-terminus of the GJA5 protein (p.Ser345Argfs*38). While this is not anticipated to result in nonsense mediated decay, it is expected to disrupt the last 14 amino acid(s) of the GJA5 protein and extend the protein by 23 additional amino acid residues. This variant is present in population databases (rs781887233, gnomAD 0.003%). This variant has not been reported in the literature in individuals affected with GJA5-related conditions. ClinVar contains an entry for this variant (Variation ID: 836933). Experimental studies and prediction algorithms are not available or were not evaluated, and the functional significance of this variant is currently unknown. In summary, the available evidence is currently insufficient to determine the role of this variant in disease. Therefore, it has been classified as a Variant of Uncertain Significance.